The following is an entry in ClinVar:

NM_019842.4(KCNQ5):c.1085_1086insAAA (p.His362delinsGlnAsn)

Gene: KCNQ5 (potassium voltage-gated channel subfamily Q member 5; plus strand). Cytogenetic location: 6q13.
Variant type: Insertion.
Coding change: c.1085_1086insAAA on transcript NM_019842.4 (MANE Select); coding-DNA positions 1085 to 1086, AAA inserted.
Protein change: p.His362delinsGlnAsn.
Molecular consequence: inframe indel.
Genome position: GRCh38 VCF-style: chr6-73111362-C-CAAA. GRCh37 (hg19) VCF-style: chr6-73821085-C-CAAA.
Other names: c.1085_1086insAAA, p.His362delinsGlnAsn (NM_001160134.2, NM_001160130.2, NM_001160132.2 and 1 more transcripts).
Identifiers: ClinVar variation 2856896 (VCV002856896.3), dbSNP rs2533688748, ClinGen allele CA2739273227.

ClinVar aggregate classification (germline): Uncertain significance (1 of 4 stars; one submission).

Submission:

Labcorp Genetics (formerly Invitae), Labcorp
Classification: Uncertain significance. Last evaluated: 2023-04-16. Review status: criteria provided, single submitter. Criteria: Invitae Variant Classification Sherloc (09022015). Collection method: clinical testing. Allele origin: germline.
Comment: In summary, the available evidence is currently insufficient to determine the role of this variant in disease. Therefore, it has been classified as a Variant of Uncertain Significance. Experimental studies and prediction algorithms are not available or were not evaluated, and the functional significance of this variant is currently unknown. This variant has not been reported in the literature in individuals affected with KCNQ5-related conditions. This variant is not present in population databases (gnomAD no frequency). This variant, c.1085_1086insAAA, is a complex sequence change that results in the deletion of 1 and insertion of 2 amino acid(s) in the KCNQ5 protein (p.His362delinsGlnAsn).